The following is an entry in ClinVar:

NM_001063.4(TF):c.417G>A (p.Thr139=)

Gene: TF (transferrin; plus strand). Cytogenetic location: 3q22.1.
Variant type: single nucleotide variant.
Coding change: c.417G>A on transcript NM_001063.4 (MANE Select); coding-DNA position 417, G replaced by A.
Protein change: p.Thr139=; no amino-acid change (threonine 139 retained).
Molecular consequence: synonymous variant.
Genome position (GRCh38, 1-based): chr3:133,754,586, G>A. VCF-style: chr3-133754586-G-A. GRCh37 (hg19) VCF-style: chr3-133473430-G-A.
Other names: c.285G>A, p.Thr95= (NM_001354703.2); c.36G>A, p.Thr12= (NM_001354704.2).
Identifiers: ClinVar variation 343431 (VCV000343431.18), dbSNP rs113868497, ClinGen allele CA2624965.

ClinVar aggregate classification (germline): Benign/Likely benign. Review status: criteria provided, multiple submitters, no conflicts (2 of 4 stars). 5 submissions from 5 submitters: Benign (3); Likely benign (1). 1 of the submissions does not count toward it. Last evaluated 2026-01-28.

Conditions:
TF-related disorder. Also called: TF-related condition.
Atransferrinemia. Also called: Familial hypotransferrinemia. Identifiers: Orphanet 1195, MedGen C0521802, MONDO:0008846, OMIM 209300, HP:0012239.

Allele frequency attached by ClinVar (database versions not stated): gnomAD exomes 0.00035 and 0.00089; ExAC 0.00105; 1000 Genomes Project 30x 0.00297; 1000 Genomes Project 0.00319; gnomAD 0.00336 and 0.00362; TOPMed 0.00391; ESP Exome Variant Server 0.00400.
gnomAD v4.1: 1,040 of 1,614,134 alleles (0.064%); highest among the groups gnomAD compares: African/African-American, 1.2%; 5 homozygotes.

Submissions (5):

Labcorp Genetics (formerly Invitae), Labcorp
Classification: Benign. Last evaluated: 2026-01-28. Review status: criteria provided, single submitter. Criteria: Invitae Variant Classification Sherloc (09022015). Collection method: clinical testing. Allele origin: germline.

Blueprint Genetics
Classification: Likely benign. Last evaluated: 2024-11-13. Review status: criteria provided, single submitter. Criteria: ACMG Guidelines, 2015. Collection method: clinical testing. Allele origin: germline.

Illumina Laboratory Services, Illumina
Classification: Benign for Atransferrinemia. Last evaluated: 2018-01-12. Review status: criteria provided, single submitter. Criteria: ICSL Variant Classification Criteria 13 December 2019. Collection method: clinical testing. Allele origin: germline.
Comment: This variant was observed in the ICSL laboratory as part of a predisposition screen in an ostensibly healthy population. It had not been previously curated by ICSL or reported in the Human Gene Mutation Database (HGMD: prior to June 1st, 2018), and was therefore a candidate for classification through an automated scoring system. Utilizing variant allele frequency, disease prevalence and penetrance estimates, and inheritance mode, an automated score was calculated to assess if this variant is too frequent to cause the disease. Based on the score and internal cut-off values, a variant classified as benign is not then subjected to further curation. The score for this variant resulted in a classification of benign for this disease.

Breakthrough Genomics
Classification: Benign. Review status: criteria provided, single submitter. Criteria: ACMG Guidelines, 2015. Collection method: not provided. Allele origin: germline. Inheritance: Autosomal recessive inheritance. Affected: yes.

PreventionGenetics, part of Exact Sciences
Classification: Benign for TF-related condition. Last evaluated: 2019-06-20. Review status: no assertion criteria provided. Collection method: clinical testing. Allele origin: germline. Not counted in ClinVar's aggregate classification.
Comment: This variant is classified as benign based on ACMG/AMP sequence variant interpretation guidelines (Richards et al. 2015 PMID: 25741868, with internal and published modifications).